The following is an entry in ClinVar:

NM_000702.4(ATP1A2):c.2456T>C (p.Leu819Ser)

Gene: ATP1A2 (ATPase Na+/K+ transporting subunit alpha 2; plus strand). Cytogenetic location: 1q23.2.
Variant type: single nucleotide variant.
Coding change: c.2456T>C on transcript NM_000702.4 (MANE Select); coding-DNA position 2456, T replaced by C.
Protein change: p.Leu819Ser; replaces leucine 819 with serine.
Molecular consequence: missense variant.
Genome position (GRCh38, 1-based): chr1:160,136,263, T>C. VCF-style: chr1-160136263-T-C. GRCh37 (hg19) VCF-style: chr1-160106053-T-C.
Other names: short protein forms L819S.
Identifiers: ClinVar variation 4083422 (VCV004083422.1).
Genomic context (GRCh38, chr1:160,136,263, plus strand): 5'-GTCCCTTCAAATGCCCTCCCTGCCCCATTTCCTACCCCACACAGGTCCCTGCCATCTCCT[T>C]GGCCTATGAGGCAGCTGAGAGTGATATCATGAAGCGGCAGCCACGAAACTCCCAGACGGA-3'
Protein context (NP_000693.1, residues 809-829): LGTDMVPAIS[Leu819Ser]AYEAAESDIM

ClinVar aggregate classification (germline): Uncertain significance (1 of 4 stars; one submission).

Submission:

GeneDx
Classification: Uncertain significance. Last evaluated: 2025-03-13. Review status: criteria provided, single submitter. Criteria: GeneDx Variant Classification Process June 2021. Collection method: clinical testing. Allele origin: germline. Affected: yes.
Comment: Observed in a patient with hemiplegic migraines in the published literature (Maksemous N, Smith RA, Sutherland HG, et al. Targeted next generation sequencing identifies a genetic spectrum of DNA variants in patients with hemiplegic migraine. Cephalalgia Reports. 2019;2); Not observed at significant frequency in large population cohorts (gnomAD); In silico analysis supports that this missense variant has a deleterious effect on protein structure/function